The following is an entry in ClinVar:

NM_000128.4(F11):c.55+2T>C

Gene: F11 (coagulation factor XI; plus strand). Cytogenetic location: 4q35.2.
Variant type: single nucleotide variant.
Coding change: c.55+2T>C on transcript NM_000128.4 (MANE Select); the canonical splice donor site of the intron after coding-DNA position 55, T replaced by C.
Molecular consequence: splice donor variant.
Genome position (GRCh38, 1-based): chr4:186,267,193, T>C. VCF-style: chr4-186267193-T-C. GRCh37 (hg19) VCF-style: chr4-187188347-T-C.
Other names: c.55+2T>C (NM_001354804.2).
Identifiers: ClinVar variation 1482191 (VCV001482191.8), dbSNP rs1159780956, ClinGen allele CA358957448.

ClinVar aggregate classification (germline): Likely pathogenic (1 of 4 stars; one submission).

Submission:

Labcorp Genetics (formerly Invitae), Labcorp
Classification: Likely pathogenic. Last evaluated: 2021-05-18. Review status: criteria provided, single submitter. Criteria: Invitae Variant Classification Sherloc (09022015). Collection method: clinical testing. Allele origin: germline.
Comment: This variant has been observed in individual(s) with factor XI deficiency (PMID: 27067486). This variant is not present in population databases (ExAC no frequency). This sequence change affects a donor splice site in intron 2 of the F11 gene. It is expected to disrupt RNA splicing. Variants that disrupt the donor or acceptor splice site typically lead to a loss of protein function (PMID: 16199547), and loss-of-function variants in F11 are known to be pathogenic (PMID: 23929304). Algorithms developed to predict the effect of sequence changes on RNA splicing suggest that this variant may disrupt the consensus splice site, but this prediction has not been confirmed by published transcriptional studies. In summary, the currently available evidence indicates that the variant is pathogenic, but additional data are needed to prove that conclusively. Therefore, this variant has been classified as Likely Pathogenic.

Literature cited by the submitters: PubMed 27067486; PubMed 16199547; PubMed 23929304.